The following is an entry in ClinVar:

ClinVar aggregate classification (germline): Uncertain significance (1 of 4 stars; one submission).

Submission:

Labcorp Genetics (formerly Invitae), Labcorp
Classification: Uncertain significance. Last evaluated: 2025-04-02. Review status: criteria provided, single submitter. Criteria: Invitae Variant Classification Sherloc (09022015). Collection method: clinical testing. Allele origin: germline.
Comment: This sequence change replaces leucine, which is neutral and non-polar, with phenylalanine, which is neutral and non-polar, at codon 234 of the KCNH1 protein (p.Leu234Phe). This variant is not present in population databases (gnomAD no frequency). This variant has not been reported in the literature in individuals affected with KCNH1-related conditions. ClinVar contains an entry for this variant (Variation ID: 3633739). Invitae Evidence Modeling of protein sequence and biophysical properties (such as structural, functional, and spatial information, amino acid conservation, physicochemical variation, residue mobility, and thermodynamic stability) has been performed for this missense variant. However, the output from this modeling did not meet the statistical confidence thresholds required to predict the impact of this variant on KCNH1 protein function. In summary, the available evidence is currently insufficient to determine the role of this variant in disease. Therefore, it has been classified as a Variant of Uncertain Significance.

NM_172362.3(KCNH1):c.702G>C (p.Leu234Phe)

Gene: KCNH1 (potassium voltage-gated channel subfamily H member 1; minus strand). Cytogenetic location: 1q32.2.
Variant type: single nucleotide variant.
Coding change: c.702G>C on transcript NM_172362.3 (MANE Select); coding-DNA position 702, G replaced by C.
Protein change: p.Leu234Phe; replaces leucine 234 with phenylalanine.
Molecular consequence: missense variant.
Genome position (GRCh38, 1-based): chr1:211,019,113, C>G on the plus strand (G>C on the coding strand, the complement: KCNH1 is on the minus strand). VCF-style: chr1-211019113-C-G. GRCh37 (hg19) VCF-style: chr1-211192455-C-G.
Other names: c.702G>C, p.Leu234Phe (NM_002238.4); short protein forms L234F.
Identifiers: ClinVar variation 3633739 (VCV003633739.2).